The following is an entry in ClinVar:

NM_000261.2(MYOC):c.1373G>A (p.Gly458Asp)

Gene: MYOC (myocilin; minus strand). Cytogenetic location: 1q24.3.
Variant type: single nucleotide variant.
Coding change: c.1373G>A on transcript NM_000261.2 (MANE Select); coding-DNA position 1373, G replaced by A.
Protein change: p.Gly458Asp; replaces glycine 458 with aspartic acid.
Molecular consequence: missense variant.
Genome position (GRCh38, 1-based): chr1:171,636,067, C>T on the plus strand (G>A on the coding strand, the complement: MYOC is on the minus strand). VCF-style: chr1-171636067-C-T. GRCh37 (hg19) VCF-style: chr1-171605207-C-T.
Other names: NM_000261.2:c.1373G>A; short protein forms G458D.
Identifiers: ClinVar variation 2500841 (VCV002500841.2), dbSNP rs868311329, ClinGen allele CA343723526.

ClinVar aggregate classification (germline): Uncertain significance (3 of 4 stars; one submission).

Conditions:
Open-angle glaucoma. Identifiers: MedGen C0017612, MONDO:0005338, HP:0012108.

Allele frequency attached by ClinVar (database versions not stated): gnomAD exomes 0.00001.
gnomAD v4.1: 14 of 1,614,160 alleles (0.00087%); highest among the groups gnomAD compares: East Asian, 0.011%; no homozygotes.

Submission:

ClinGen Glaucoma Variant Curation Expert Panel
Classification: Uncertain significance for Open-angle glaucoma. Last evaluated: 2026-01-12. Review status: reviewed by expert panel. Criteria: ClinGen Glaucoma ACMG Specifications V2.0.0 Approved. Collection method: curation. Allele origin: germline. Inheritance: Autosomal dominant inheritance.
Comment: The c.1373G>A variant in MYOC is a missense variant predicted to cause substitution of Glycine by Aspartic Acid at amino acid 458 (p.Gly458Asp). The highest minor allele frequency of this variant was in the East Asian genetic ancestry group of gnomAD (v4.1.0) = 0.0001114 (5 alleles out of 44,886), which did not meet the PM2_Supporting allele frequency threshold (≤ 0.0001) or the BS1 allele frequency threshold (≥ 0.001). This missense variant had a REVEL score = 0.518, which was neither above nor below the thresholds for PP3 (≥ 0.644) or BP4 (≤ 0.290), predicting a damaging or benign impact on MYOC function. There was no functional evidence predicting a damaging or benign impact of this variant on MYOC function. Although a proband with primary open angle glaucoma had been reported carrying this variant, PM2_Supporting was not met, therefore PS4 did not apply. In summary, this variant did not meet any criteria, receiving a score of 0 and a classification as a variant of uncertain significance (uncertain significance classification range -1 to 5, adapted from PMID: 32720330) for primary open angle glaucoma based on the ACMG/AMP criteria met, as specified by the ClinGen Glaucoma VCEP (v2.0.0, 5 Dec 2024): none